The following is an entry in ClinVar:

ClinVar aggregate classification (germline): Uncertain significance. Review status: criteria provided, multiple submitters, no conflicts (2 of 4 stars). 5 submissions from 5 submitters: Uncertain significance (5). Last evaluated 2025-12-24.

Conditions:
Classic or attenuated familial adenomatous polyposis. Identifiers: MedGen CN372698, MONDO:0021057.
Hereditary cancer-predisposing syndrome. Also called: Tumor predisposition; Hereditary neoplastic syndrome; Hereditary Cancer Syndrome; Neoplastic Syndromes, Hereditary. Identifiers: Orphanet 140162, MedGen C0027672, MeSH D009386, MONDO:0015356.
Familial adenomatous polyposis 1 (FAP1). Also called: POLYPOSIS, ADENOMATOUS INTESTINAL; FAMILIAL ADENOMATOUS POLYPOSIS 1, ATTENUATED. Identifiers: MedGen C2713442, MONDO:0021056, OMIM 175100. Disease mechanism: loss of function.

Allele frequency attached by ClinVar (database versions not stated): gnomAD exomes below 0.00001 and 0.00001; TOPMed below 0.00001; ExAC 0.00001; gnomAD 0.00005; 1000 Genomes Project 30x 0.00016; 1000 Genomes Project 0.00020.
gnomAD v4.1: 13 of 1,614,132 alleles (0.00081%); highest among the groups gnomAD compares: Non-Finnish European, 0.00093%; no homozygotes.

Submissions (5):

Labcorp Genetics (formerly Invitae), Labcorp
Classification: Uncertain significance for Familial adenomatous polyposis 1. Last evaluated: 2025-12-24. Review status: criteria provided, single submitter. Criteria: Invitae Variant Classification Sherloc (09022015). Collection method: clinical testing. Allele origin: germline.
Comment: This sequence change replaces leucine, which is neutral and non-polar, with proline, which is neutral and non-polar, at codon 1563 of the APC protein (p.Leu1563Pro). The frequency data for this variant in the population databases is considered unreliable, as metrics indicate poor data quality at this position in the gnomAD database. This variant has not been reported in the literature in individuals affected with APC-related conditions. ClinVar contains an entry for this variant (Variation ID: 1051199). Invitae Evidence Modeling of protein sequence and biophysical properties (such as structural, functional, and spatial information, amino acid conservation, physicochemical variation, residue mobility, and thermodynamic stability) indicates that this missense variant is not expected to disrupt APC protein function with a negative predictive value of 95%. In summary, the available evidence is currently insufficient to determine the role of this variant in disease. Therefore, it has been classified as a Variant of Uncertain Significance.

Ambry Genetics
Classification: Uncertain significance for Hereditary cancer-predisposing syndrome. Last evaluated: 2025-08-15. Review status: criteria provided, single submitter. Criteria: Ambry Variant Classification Scheme 2023. Collection method: clinical testing. Allele origin: germline.
Comment: The p.L1563P variant (also known as c.4688T>C), located in coding exon 15 of the APC gene, results from a T to C substitution at nucleotide position 4688. The leucine at codon 1563 is replaced by proline, an amino acid with similar properties. This amino acid position is not well conserved in available vertebrate species. In addition, in silico predictors for this gene do not accurately predict pathogenicity. Missense alterations in APC are not a common cause of disease (Spier I et al. Genet Med. 2024 Feb;26(2):100992). Based on the available evidence, the clinical significance of this variant remains unclear.

Center for Genomic Medicine, Rigshospitalet, Copenhagen University Hospital
Classification: Uncertain significance. Last evaluated: 2025-03-04. Review status: criteria provided, single submitter. Criteria: ACMG Guidelines, 2015. Collection method: clinical testing. Allele origin: germline.
Comment: Classification criteria: BP1

All of Us Research Program, National Institutes of Health
Classification: Uncertain significance for Classic or attenuated familial adenomatous polyposis. Last evaluated: 2024-01-08. Review status: criteria provided, single submitter. Criteria: ACMG Guidelines, 2015. Collection method: clinical testing. Allele origin: germline. Inheritance: Autosomal dominant inheritance. Observed: 1 variant allele, 1 heterozygote.
Comment: This missense variant replaces leucine with proline at codon 1563 of the APC protein. Computational prediction suggests that this variant may not impact protein structure and function (internally defined REVEL score threshold <= 0.5, PMID: 27666373). To our knowledge, functional studies have not been reported for this variant. This variant has not been reported in individuals affected with APC-related disorders in the literature. This variant has been identified in 9/281916 chromosomes in the general population by the Genome Aggregation Database (gnomAD). The available evidence is insufficient to determine the role of this variant in disease conclusively. Therefore, this variant is classified as a Variant of Uncertain Significance.

This study involves interpretation of variants in research participants for the purpose of population health screening. Participant phenotype was not available at the time of variant classification. Additional details can be found in publication PMID: 35346344, PMCID: PMC8962531

Institute for Clinical Genetics, University Hospital TU Dresden, University Hospital TU Dresden
Classification: Uncertain significance. Last evaluated: 2021-11-03. Review status: criteria provided, single submitter. Criteria: ACMG Guidelines, 2015. Collection method: clinical testing. Allele origin: germline.

NM_000038.6(APC):c.4688T>C (p.Leu1563Pro)

Gene: APC (APC regulator of Wnt signaling pathway; plus strand). Cytogenetic location: 5q22.2.
Variant type: single nucleotide variant.
Coding change: c.4688T>C on transcript NM_000038.6 (MANE Select); coding-DNA position 4688, T replaced by C.
Protein change: p.Leu1563Pro; replaces leucine 1563 with proline.
Molecular consequence: missense variant.
Genome position (GRCh38, 1-based): chr5:112,840,282, T>C. VCF-style: chr5-112840282-T-C. GRCh37 (hg19) VCF-style: chr5-112175979-T-C.
Other names: c.4688T>C, p.Leu1563Pro (NM_001127510.3, NM_001354895.2); c.4634T>C, p.Leu1545Pro (NM_001127511.3); c.4742T>C, p.Leu1581Pro (NM_001354896.2); c.4718T>C, p.Leu1573Pro (NM_001354897.2); c.4613T>C, p.Leu1538Pro (NM_001354898.2); c.4604T>C, p.Leu1535Pro (NM_001354899.2); c.4565T>C, p.Leu1522Pro (NM_001354900.2); c.4511T>C, p.Leu1504Pro (NM_001354901.2); and 5 more; short protein forms L1280P, L1403P, L1437P, L1462P, L1472P, L1504P, L1522P, L1535P.
Identifiers: ClinVar variation 1051199 (VCV001051199.54), dbSNP rs201675099, ClinGen allele CA039579.